The following is an entry in ClinVar:

NM_000368.5(TSC1):c.1732A>C (p.Thr578Pro)

Gene: TSC1 (TSC complex subunit 1; minus strand). Cytogenetic location: 9q34.13.
Variant type: single nucleotide variant.
Coding change: c.1732A>C on transcript NM_000368.5 (MANE Select); coding-DNA position 1732, A replaced by C.
Protein change: p.Thr578Pro; replaces threonine 578 with proline.
Molecular consequence: missense variant. On other transcripts: non-coding transcript variant (5).
Genome position (GRCh38, 1-based): chr9:132,905,846, T>G on the plus strand (A>C on the coding strand, the complement: TSC1 is on the minus strand). VCF-style: chr9-132905846-T-G. GRCh37 (hg19) VCF-style: chr9-135781233-T-G.
Other names: c.1729A>C, p.Thr577Pro (NM_001406600.1, NM_001406603.1, NM_001406604.1 and 6 more transcripts); c.1732A>C, p.Thr578Pro (NM_001406601.1, NM_001406602.1, NM_001406605.1 and 7 more transcripts); c.1369A>C, p.Thr457Pro (NM_001406619.1, NM_001406624.1, NM_001362177.2 and 5 more transcripts); c.1366A>C, p.Thr456Pro (NM_001406620.1, NM_001406621.1, NM_001406622.1 and 2 more transcripts); c.781A>C, p.Thr261Pro (NM_001406626.1); c.778A>C, p.Thr260Pro (NM_001406627.1, NM_001406628.1); c.1579A>C, p.Thr527Pro (NM_001162427.2, NM_001406610.1); c.1576A>C, p.Thr526Pro (NM_001406611.1, NM_001406612.1, NM_001406613.1); and 1 more; short protein forms T227P, T260P, T526P, T578P, T456P, T577P, T261P, T527P.
Identifiers: ClinVar variation 5031205 (VCV005031205.1).

ClinVar aggregate classification (germline): Uncertain significance (1 of 4 stars; one submission).

Conditions:
Hereditary cancer-predisposing syndrome. Also called: Neoplastic Syndromes, Hereditary; Tumor predisposition; Hereditary neoplastic syndrome; Hereditary Cancer Syndrome. Identifiers: Orphanet 140162, MedGen C0027672, MeSH D009386, MONDO:0015356.

Submission:

Ambry Genetics
Classification: Uncertain significance for Hereditary cancer-predisposing syndrome. Last evaluated: 2026-06-26. Review status: criteria provided, single submitter. Criteria: Ambry Variant Classification Scheme 2023. Collection method: clinical testing. Allele origin: germline.
Comment: The p.T578P variant (also known as c.1732A>C), located in coding exon 13 of the TSC1 gene, results from an A to C substitution at nucleotide position 1732. The threonine at codon 578 is replaced by proline, an amino acid with highly similar properties. This amino acid position is conserved. In addition, this alteration is predicted to be tolerated by in silico analysis. Based on the available evidence, the clinical significance of this variant remains unclear.